The following is an entry in ClinVar:

ClinVar aggregate classification (germline): Likely benign. Review status: criteria provided, multiple submitters, no conflicts (2 of 4 stars). 3 submissions from 3 submitters: Likely benign (2). 1 of the submissions does not count toward it. Last evaluated 2023-02-20.

Conditions:
CDH3-related disorder. Also called: CDH3-related condition.

Allele frequency attached by ClinVar (database versions not stated): TOPMed below 0.00001; gnomAD exomes 0.00001 and 0.00002; ExAC 0.00004.
gnomAD v4.1: 20 of 1,614,226 alleles (0.0012%); highest among the groups gnomAD compares: Middle Eastern, 0.033%; 1 homozygote.

Submissions (3):

Labcorp Genetics (formerly Invitae), Labcorp
Classification: Likely benign. Last evaluated: 2023-02-20. Review status: criteria provided, single submitter. Criteria: Invitae Variant Classification Sherloc (09022015). Collection method: clinical testing. Allele origin: germline.

Blueprint Genetics
Classification: Likely benign. Last evaluated: 2023-01-23. Review status: criteria provided, single submitter. Criteria: ACMG Guidelines, 2015. Collection method: clinical testing. Allele origin: germline.

PreventionGenetics, part of Exact Sciences
Classification: Likely benign for CDH3-related condition. Last evaluated: 2019-03-08. Review status: no assertion criteria provided. Collection method: clinical testing. Allele origin: germline. Not counted in ClinVar's aggregate classification.
Comment: This variant is classified as likely benign based on ACMG/AMP sequence variant interpretation guidelines (Richards et al. 2015 PMID: 25741868, with internal and published modifications).

NM_001793.6(CDH3):c.1861C>T (p.Leu621=)

Gene: CDH3 (cadherin 3; plus strand). Cytogenetic location: 16q22.1.
Variant type: single nucleotide variant.
Coding change: c.1861C>T on transcript NM_001793.6 (MANE Select); coding-DNA position 1861, C replaced by T.
Protein change: p.Leu621=; no amino-acid change (leucine 621 retained).
Molecular consequence: synonymous variant.
Genome position (GRCh38, 1-based): chr16:68,691,785, C>T. VCF-style: chr16-68691785-C-T. GRCh37 (hg19) VCF-style: chr16-68725688-C-T.
Other names: c.1861C>T (NM_001793.5); c.1861C>T, p.Leu621= (NM_001317195.3); c.1696C>T, p.Leu566= (NM_001317196.2).
Identifiers: ClinVar variation 1125727 (VCV001125727.12), dbSNP rs746986109, ClinGen allele CA8129500.